The following is an entry in ClinVar:

ClinVar aggregate classification (germline): Uncertain significance. Review status: criteria provided, multiple submitters, no conflicts (2 of 4 stars). 2 submissions from 2 submitters: Uncertain significance (2). Last evaluated 2024-09-15.

Conditions:
Spermatogenic failure 18. Identifiers: MedGen C4539783, MONDO:0054615, OMIM 617576.
Ciliary dyskinesia, primary, 37 (CILD37). Also called: CILIARY DYSKINESIA, PRIMARY, 37, WITH OR WITHOUT SITUS INVERSUS. Identifiers: MedGen C4539798, MONDO:0033204, OMIM 617577.

Allele frequency attached by ClinVar (database versions not stated): TOPMed 0.00002.
gnomAD v4.1: 55 of 1,611,746 alleles (0.0034%); highest among the groups gnomAD compares: Non-Finnish European, 0.0042%; no homozygotes.

Submissions (2):

Labcorp Genetics (formerly Invitae), Labcorp
Classification: Uncertain significance for Ciliary dyskinesia, primary, 37; Spermatogenic failure 18. Last evaluated: 2024-09-15. Review status: criteria provided, single submitter. Criteria: Invitae Variant Classification Sherloc (09022015). Collection method: clinical testing. Allele origin: germline.
Comment: This sequence change replaces threonine, which is neutral and polar, with lysine, which is basic and polar, at codon 3305 of the DNAH1 protein (p.Thr3305Lys). This variant is present in population databases (rs369765657, gnomAD 0.009%). This variant has not been reported in the literature in individuals affected with DNAH1-related conditions. ClinVar contains an entry for this variant (Variation ID: 478519). An algorithm developed to predict the effect of missense changes on protein structure and function outputs the following: PolyPhen-2: "Benign". The lysine amino acid residue is found in multiple mammalian species, which suggests that this missense change does not adversely affect protein function. In summary, the available evidence is currently insufficient to determine the role of this variant in disease. Therefore, it has been classified as a Variant of Uncertain Significance.

Ambry Genetics
Classification: Uncertain significance. Last evaluated: 2023-05-17. Review status: criteria provided, single submitter. Criteria: Ambry Variant Classification Scheme 2023. Collection method: clinical testing. Allele origin: germline.

NM_015512.5(DNAH1):c.9914C>A (p.Thr3305Lys)

Gene: DNAH1 (dynein axonemal heavy chain 1; plus strand). Cytogenetic location: 3p21.1.
Variant type: single nucleotide variant.
Coding change: c.9914C>A on transcript NM_015512.5 (MANE Select); coding-DNA position 9914, C replaced by A.
Protein change: p.Thr3305Lys; replaces threonine 3305 with lysine.
Molecular consequence: missense variant.
Genome position (GRCh38, 1-based): chr3:52,391,465, C>A. VCF-style: chr3-52391465-C-A. GRCh37 (hg19) VCF-style: chr3-52425481-C-A.
Other names: short protein forms T3305K.
Identifiers: ClinVar variation 478519 (VCV000478519.6), dbSNP rs369765657, ClinGen allele CA2435656.